The following is an entry in ClinVar:

ClinVar aggregate classification (germline): Uncertain significance (1 of 4 stars; one submission).

Submission:

CeGaT Center for Human Genetics Tuebingen
Classification: Uncertain significance. Last evaluated: 2026-09-01. Review status: criteria provided, single submitter. Criteria: CeGaT Center For Human Genetics Tuebingen Variant Classification Criteria Version 2. Collection method: clinical testing. Allele origin: germline. Affected: yes. Observed: 1 variant allele.
Comment: FRYL: PM2

NM_015030.2(FRYL):c.4286A>G (p.Tyr1429Cys)

Gene: FRYL (FRY like transcription coactivator; minus strand). Cytogenetic location: 4p11.
Variant type: single nucleotide variant.
Coding change: c.4286A>G on transcript NM_015030.2 (MANE Select); coding-DNA position 4286, A replaced by G.
Protein change: p.Tyr1429Cys; replaces tyrosine 1429 with cysteine.
Molecular consequence: missense variant.
Genome position (GRCh38, 1-based): chr4:48,553,364, T>C on the plus strand (A>G on the coding strand, the complement: FRYL is on the minus strand). VCF-style: chr4-48553364-T-C. GRCh37 (hg19) VCF-style: chr4-48555381-T-C.
Other names: short protein forms Y1429C.
Identifiers: ClinVar variation 5041437 (VCV005041437.1).